The following is an entry in ClinVar:

ClinVar aggregate classification (germline): Uncertain significance (1 of 4 stars; one submission).

Allele frequency attached by ClinVar (database versions not stated): gnomAD exomes below 0.00001; gnomAD 0.00001; TOPMed 0.00003.
gnomAD v4.1: 4 of 1,598,120 alleles (0.00025%); highest among the groups gnomAD compares: Admixed American, 0.0017%; no homozygotes.

Submission:

Labcorp Genetics (formerly Invitae), Labcorp
Classification: Uncertain significance. Last evaluated: 2022-01-13. Review status: criteria provided, single submitter. Criteria: Invitae Variant Classification Sherloc (09022015). Collection method: clinical testing. Allele origin: germline.
Comment: In summary, the available evidence is currently insufficient to determine the role of this variant in disease. Therefore, it has been classified as a Variant of Uncertain Significance. Algorithms developed to predict the effect of missense changes on protein structure and function are either unavailable or do not agree on the potential impact of this missense change (SIFT: "Deleterious"; PolyPhen-2: "Benign"; Align-GVGD: "Class C25"). This variant has not been reported in the literature in individuals affected with MPDZ-related conditions. This variant is present in population databases (no rsID available, gnomAD 0.003%). This sequence change replaces glutamic acid, which is acidic and polar, with glutamine, which is neutral and polar, at codon 1813 of the MPDZ protein (p.Glu1813Gln).

NM_001378778.1(MPDZ):c.5524G>C (p.Glu1842Gln)

Gene: MPDZ (multiple PDZ domain crumbs cell polarity complex component; minus strand). Cytogenetic location: 9p23.
Variant type: single nucleotide variant.
Coding change: c.5524G>C on transcript NM_001378778.1 (MANE Select); coding-DNA position 5524, G replaced by C.
Protein change: p.Glu1842Gln; replaces glutamic acid 1842 with glutamine.
Molecular consequence: missense variant.
Genome position (GRCh38, 1-based): chr9:13,113,964, C>G on the plus strand (G>C on the coding strand, the complement: MPDZ is on the minus strand). VCF-style: chr9-13113964-C-G. GRCh37 (hg19) VCF-style: chr9-13113963-C-G.
Other names: c.5425G>C, p.Glu1809Gln (NM_001261406.2, NM_001375416.1, NM_001375417.1 and 1 more transcripts); c.5338G>C, p.Glu1780Gln (NM_001261407.2, NM_001375419.1); c.5524G>C, p.Glu1842Gln (NM_001330637.2); c.5623G>C, p.Glu1875Gln (NM_001375413.1); c.5314G>C, p.Glu1772Gln (NM_001375420.1, NM_001375421.1, NM_001375422.1 and 2 more transcripts); c.5227G>C, p.Glu1743Gln (NM_001375425.1, NM_001375426.1); c.5116G>C, p.Glu1706Gln (NM_001375427.1); c.5437G>C, p.Glu1813Gln (NM_003829.5); short protein forms E1706Q, E1772Q, E1875Q, E1743Q, E1780Q, E1842Q, E1809Q, E1813Q.
Identifiers: ClinVar variation 1444242 (VCV001444242.8), dbSNP rs971975671, ClinGen allele CA189270282.